The following is an entry in ClinVar:

ClinVar aggregate classification (germline): Benign/Likely benign. Review status: criteria provided, multiple submitters, no conflicts (2 of 4 stars). 3 submissions from 3 submitters: Benign (1); Likely benign (2). Last evaluated 2025-10-14.

Conditions:
Hereditary diffuse gastric adenocarcinoma (HDGC). Also called: DIFFUSE GASTRIC AND LOBULAR BREAST CANCER SYNDROME. Identifiers: Orphanet 26106, MedGen C1708349, MONDO:0007648, OMIM 137215.
Hereditary cancer-predisposing syndrome. Also called: Neoplastic Syndromes, Hereditary; Hereditary neoplastic syndrome; Tumor predisposition; Hereditary Cancer Syndrome. Identifiers: Orphanet 140162, MedGen C0027672, MeSH D009386, MONDO:0015356.

gnomAD v4.1: 5 of 1,613,818 alleles (0.00031%); highest among the groups gnomAD compares: Non-Finnish European, 0.00042%; no homozygotes.

Submissions (3):

Labcorp Genetics (formerly Invitae), Labcorp
Classification: Likely benign. Last evaluated: 2025-10-14. Review status: criteria provided, single submitter. Criteria: Invitae Variant Classification Sherloc (09022015). Collection method: clinical testing. Allele origin: germline.

Myriad Genetics, Inc.
Classification: Benign for Hereditary diffuse gastric adenocarcinoma. Last evaluated: 2024-10-10. Review status: criteria provided, single submitter. Criteria: Myriad Autosomal Dominant, Autosomal Recessive and X-Linked Classification Criteria (2023). Collection method: clinical testing. Allele origin: unknown.
Comment: This variant is considered benign. This variant is a silent/synonymous amino acid change and it is not expected to impact splicing.

Ambry Genetics
Classification: Likely benign for Hereditary cancer-predisposing syndrome. Last evaluated: 2020-08-08. Review status: criteria provided, single submitter. Criteria: Ambry Variant Classification Scheme 2023. Collection method: clinical testing. Allele origin: germline.

NM_001903.5(CTNNA1):c.606C>T (p.Gly202=)

Gene: CTNNA1 (catenin alpha 1; plus strand). Cytogenetic location: 5q31.2.
Variant type: single nucleotide variant.
Coding change: c.606C>T on transcript NM_001903.5 (MANE Select); coding-DNA position 606, C replaced by T.
Protein change: p.Gly202=; no amino-acid change (glycine 202 retained).
Molecular consequence: synonymous variant.
Genome position (GRCh38, 1-based): chr5:138,824,547, C>T. VCF-style: chr5-138824547-C-T. GRCh37 (hg19) VCF-style: chr5-138160236-C-T.
Other names: c.606C>T, p.Gly202= (NM_001290307.3, NM_001323982.2, NM_001323983.1 and 3 more transcripts); c.297C>T, p.Gly99= (NM_001290309.3); c.237C>T, p.Gly79= (NM_001290310.3).
Identifiers: ClinVar variation 772051 (VCV000772051.14), dbSNP rs779343310, ClinGen allele CA446594170.
Genomic context (GRCh38, chr5:138,824,547, plus strand): 5'-ATATAAAGAGTGCTCCAATTTCTTGTTTTATTTACTCTTGTAGGAATTGAAAGATGTTGG[C>T]CATCGTGATCAGATGGCTGCAGCTAGAGGAATCCTGCAGAAGAACGTTCCGATCCTCTAT-3'
Protein context (NP_001894.2, residues 192-212): AKRQQELKDV[Gly202=]HRDQMAAARG